The following is an entry in ClinVar:

NM_198904.4(GABRG2):c.268A>G (p.Thr90Ala)

Gene: GABRG2 (gamma-aminobutyric acid type A receptor subunit gamma2; plus strand). Cytogenetic location: 5q34.
Variant type: single nucleotide variant.
Coding change: c.268A>G on transcript NM_198904.4 (MANE Select); coding-DNA position 268, A replaced by G.
Protein change: p.Thr90Ala; replaces threonine 90 with alanine.
Molecular consequence: missense variant. On other transcripts: 5 prime UTR variant (3).
Genome position (GRCh38, 1-based): chr5:162,095,503, A>G. VCF-style: chr5-162095503-A-G. GRCh37 (hg19) VCF-style: chr5-161522509-A-G.
Other names: c.268A>G, p.Thr90Ala (NM_000816.3, NM_001375340.1, NM_001375341.1 and 4 more transcripts); c.259A>G, p.Thr87Ala (NM_001375339.1); c.202A>G, p.Thr68Ala (NM_001375345.1, NM_001375346.1); c.181A>G, p.Thr61Ala (NM_001375347.1); c.-91A>G (NM_001375348.1, NM_001375350.1); c.-18A>G (NM_001375349.1); short protein forms T61A, T87A, T90A, T68A.
Identifiers: ClinVar variation 5022121 (VCV005022121.1).

ClinVar aggregate classification (germline): Uncertain significance (1 of 4 stars; one submission).

Conditions:
Inborn genetic diseases. Identifiers: MedGen C0950123, MeSH D030342.

gnomAD v4.1: 1 of 1,604,918 alleles (0.000062%); no homozygotes.

Submission:

Ambry Genetics
Classification: Uncertain significance for Inborn genetic diseases. Last evaluated: 2026-08-10. Review status: criteria provided, single submitter. Criteria: Ambry Variant Classification Scheme 2023. Collection method: clinical testing. Allele origin: germline.
Comment: The c.268A>G (p.T90A) alteration is located in exon 3 (coding exon 3) of the GABRG2 gene. This alteration results from an A to G substitution at nucleotide position 268, causing the threonine (T) at amino acid position 90 to be replaced by an alanine (A). This variant was not reported in population-based cohorts in the Genome Aggregation Database (gnomAD). This variant was reported in individual(s) with features consistent with GABRG2-related seizure disorders (Epi25, 2024). Other variant(s) at the same codon, c.269C>G (p.T90R), c.269C>T (p.T90M), have been identified in individual(s) with features consistent with GABRG2-related seizure disorders (Truty, 2019; Jiang, 2020; Hernandez, 2021; Jiang, 2022; Yang, 2022; Hu, 2025). This amino acid position is highly conserved in available vertebrate species. This missense variant is located in a region that has a low rate of benign missense variation (Lek, 2016; Firth, 2009). This alteration is predicted to be deleterious by in silico analysis. Based on insufficient or conflicting evidence, the clinical significance of this alteration remains unclear.

Literature cited by the submitters: PubMed 31440721; PubMed 33391346; PubMed 34095830; PubMed 35359574; PubMed 35486215; PubMed 39363051; PubMed 40665309.